The following is an entry in ClinVar:

ClinVar aggregate classification (germline): Uncertain significance (1 of 4 stars; one submission).

Conditions:
Hereditary breast ovarian cancer syndrome. Also called: BRCA1- and BRCA2-Associated Hereditary Breast and Ovarian Cancer; Breast and ovarian cancer; Hereditary breast and ovarian cancer syndrome (HBOC); Hereditary breast and ovarian cancer; Hereditary breast and ovarian cancer syndrome; Hereditary breast and/or ovarian cancer syndrome. Identifiers: Orphanet 145, MedGen C0677776, MeSH D061325, MONDO:0003582. Disease mechanism: loss of function.

Submission:

Labcorp Genetics (formerly Invitae), Labcorp
Classification: Uncertain significance for Hereditary breast ovarian cancer syndrome. Last evaluated: 2023-05-30. Review status: criteria provided, single submitter. Criteria: Invitae Variant Classification Sherloc (09022015). Collection method: clinical testing. Allele origin: germline.
Comment: In summary, the available evidence is currently insufficient to determine the role of this variant in disease. Therefore, it has been classified as a Variant of Uncertain Significance. This sequence change replaces isoleucine, which is neutral and non-polar, with phenylalanine, which is neutral and non-polar, at codon 3048 of the BRCA2 protein (p.Ile3048Phe). This variant is not present in population databases (gnomAD no frequency). This variant has not been reported in the literature in individuals affected with BRCA2-related conditions. ClinVar contains an entry for this variant (Variation ID: 666158). Advanced modeling of protein sequence and biophysical properties (such as structural, functional, and spatial information, amino acid conservation, physicochemical variation, residue mobility, and thermodynamic stability) performed at Invitae indicates that this missense variant is not expected to disrupt BRCA2 protein function. Algorithms developed to predict the effect of sequence changes on RNA splicing suggest that this variant may disrupt the consensus splice site.

NM_000059.4(BRCA2):c.9142A>T (p.Ile3048Phe)

Gene: BRCA2 (BRCA2 DNA repair associated; plus strand). Cytogenetic location: 13q13.1.
Variant type: single nucleotide variant.
Coding change: c.9142A>T on transcript NM_000059.4 (MANE Select); coding-DNA position 9142, A replaced by T.
Protein change: p.Ile3048Phe; replaces isoleucine 3048 with phenylalanine.
Molecular consequence: missense variant.
Genome position (GRCh38, 1-based): chr13:32,380,031, A>T. VCF-style: chr13-32380031-A-T. GRCh37 (hg19) VCF-style: chr13-32954168-A-T.
Other names: short protein forms I3048F.
Identifiers: ClinVar variation 666158 (VCV000666158.9), dbSNP rs1593937926, ClinGen allele CA387757867.